The following is an entry in ClinVar:

ClinVar aggregate classification (germline): Uncertain significance (1 of 4 stars; one submission).

Conditions:
INPP5E-related disorder. Also called: INPP5E-related condition.

Submission:

PreventionGenetics, part of Exact Sciences
Classification: Uncertain significance for INPP5E-related condition. Last evaluated: 2026-06-29. Review status: criteria provided, single submitter. Criteria: ACMG Guidelines, 2015. Collection method: clinical testing. Allele origin: germline.
Comment: The INPP5E c.1666-4A>T variant is predicted to interfere with splicing. This variant is predicted to alter splicing based on available splicing prediction programs (SpliceAI, Jaganathan et al. 2019. PubMed ID: 30661751). However, the use of computer prediction programs is not equivalent to functional evidence. To our knowledge, this variant has not been reported in the literature or in a large population database (gnomAD), indicating this variant is rare. At this time, the clinical significance of this variant is uncertain due to the absence of conclusive functional and genetic evidence.

NM_019892.6(INPP5E):c.1666-4A>T

Gene: INPP5E (inositol polyphosphate-5-phosphatase E; minus strand). Cytogenetic location: 9q34.3.
Variant type: single nucleotide variant.
Coding change: c.1666-4A>T on transcript NM_019892.6 (MANE Select); 4 bases into the intron before coding-DNA position 1666, A replaced by T.
Molecular consequence: intron variant.
Genome position (GRCh38, 1-based): chr9:136,430,417, T>A on the plus strand (A>T on the coding strand, the complement: INPP5E is on the minus strand). VCF-style: chr9-136430417-T-A. GRCh37 (hg19) VCF-style: chr9-139324869-T-A.
Other names: c.1663-4A>T (NM_001318502.2).
Identifiers: ClinVar variation 5001863 (VCV005001863.1).